The following is an entry in ClinVar:

ClinVar aggregate classification (germline): Likely benign (1 of 4 stars; one submission).

Allele frequency attached by ClinVar (database versions not stated): gnomAD exomes 0.00020 and 0.00056; ExAC 0.00136; gnomAD 0.00214 and 0.00230; TOPMed 0.00250; 1000 Genomes Project 30x 0.00265; 1000 Genomes Project 0.00280.
gnomAD v4.1: 604 of 1,522,018 alleles (0.04%); highest among the groups gnomAD compares: African/African-American, 0.76%; no homozygotes.

Submission:

GeneDx
Classification: Likely benign. Last evaluated: 2021-05-20. Review status: criteria provided, single submitter. Criteria: GeneDx Variant Classification Process June 2021. Collection method: clinical testing. Allele origin: germline. Affected: yes.
Comment: See Variant Classification Assertion Criteria.

NM_004183.4(BEST1):c.949-101A>G

Gene: BEST1 (bestrophin 1; plus strand). Cytogenetic location: 11q12.3.
Variant type: single nucleotide variant.
Coding change: c.949-101A>G on transcript NM_004183.4 (MANE Select); 101 bases into the intron before coding-DNA position 949, A replaced by G.
Molecular consequence: intron variant.
Genome position (GRCh38, 1-based): chr11:61,959,791, A>G. VCF-style: chr11-61959791-A-G. GRCh37 (hg19) VCF-style: chr11-61727263-A-G.
Other names: c.1152-101A>G (NM_001363592.2); c.949-101A>G (NM_001440571.1); c.868-101A>G (NM_001440572.1); c.796-101A>G (NM_001440573.1); c.769-101A>G (NM_001139443.3, NM_001300787.2); c.688-101A>G (NM_001440574.1, NM_001300786.2); c.616-101A>G (NM_001440575.1); c.535-101A>G (NM_001440576.1); and 2 more.
Identifiers: ClinVar variation 1683847 (VCV001683847.2), dbSNP rs538729930, ClinGen allele CA6040934.